The following is an entry in ClinVar:

NM_001062.4(TCN1):c.776A>G (p.Asn259Ser)

Gene: TCN1 (transcobalamin 1; minus strand). Cytogenetic location: 11q12.1.
Variant type: single nucleotide variant.
Coding change: c.776A>G on transcript NM_001062.4 (MANE Select); coding-DNA position 776, A replaced by G.
Protein change: p.Asn259Ser; replaces asparagine 259 with serine.
Molecular consequence: missense variant.
Genome position (GRCh38, 1-based): chr11:59,856,030, T>C on the plus strand (A>G on the coding strand, the complement: TCN1 is on the minus strand). VCF-style: chr11-59856030-T-C. GRCh37 (hg19) VCF-style: chr11-59623503-T-C.
Other names: short protein forms N259S.
Identifiers: ClinVar variation 659004 (VCV000659004.7), dbSNP rs139595894, ClinGen allele CA6021892.
Genomic context (GRCh38, chr11:59,856,030, plus strand): 5'-CCTTGAGAAATTTCCGTGAGCACTGTATTCAGAGTTTGTTGGCAATTCCAGTCATTTTCA[T>C]TATAATAGTCTGATGATACAAAGAGGGCCTAATGAGGCAGGGTGGGGTGGGGGGGTGATG-3'
Protein context (NP_001053.2, residues 249-269): QALFVSSDYY[Asn259Ser]ENDWNCQQTL

ClinVar aggregate classification (germline): Uncertain significance. Review status: criteria provided, multiple submitters, no conflicts (2 of 4 stars). 2 submissions from 2 submitters: Uncertain significance (2). Last evaluated 2024-10-20.

Conditions:
Transcobalamin I deficiency (TCN1D). Also called: TCN1 DEFICIENCY; COBALAMIN PSEUDODEFICIENCY DUE TO TRANSCOBALAMIN DEFICIENCY; COBALAMIN R BINDER PROTEIN DEFICIENCY. Identifiers: Orphanet 2967, MedGen C0342700, MONDO:0008659, OMIM 193090.

Allele frequency attached by ClinVar (database versions not stated): gnomAD exomes 0.00015 and 0.00030; ExAC 0.00016; 1000 Genomes Project 0.00020; ESP Exome Variant Server 0.00023; gnomAD 0.00028 and 0.00029; 1000 Genomes Project 30x 0.00031; TOPMed 0.00031.
gnomAD v4.1: 473 of 1,608,632 alleles (0.029%); highest among the groups gnomAD compares: Middle Eastern, 0.13%; no homozygotes.

Submissions (2):

Ambry Genetics
Classification: Uncertain significance. Last evaluated: 2024-10-20. Review status: criteria provided, single submitter. Criteria: Ambry Variant Classification Scheme 2023. Collection method: clinical testing. Allele origin: germline.

Labcorp Genetics (formerly Invitae), Labcorp
Classification: Uncertain significance for Transcobalamin I deficiency. Last evaluated: 2023-07-10. Review status: criteria provided, single submitter. Criteria: Invitae Variant Classification Sherloc (09022015). Collection method: clinical testing. Allele origin: germline.
Comment: This sequence change replaces asparagine, which is neutral and polar, with serine, which is neutral and polar, at codon 259 of the TCN1 protein (p.Asn259Ser). This variant is present in population databases (rs139595894, gnomAD 0.03%). This variant has not been reported in the literature in individuals affected with TCN1-related conditions. ClinVar contains an entry for this variant (Variation ID: 659004). An algorithm developed to predict the effect of missense changes on protein structure and function (PolyPhen-2) suggests that this variant¬†is likely to be tolerated. In summary, the available evidence is currently insufficient to determine the role of this variant in disease. Therefore, it has been classified as a Variant of Uncertain Significance.